The following is an entry in ClinVar:

NM_001005242.3(PKP2):c.802G>T (p.Val268Phe)

Gene: PKP2 (plakophilin 2; minus strand). Cytogenetic location: 12p11.21.
Variant type: single nucleotide variant.
Coding change: c.802G>T on transcript NM_001005242.3 (MANE Select); coding-DNA position 802, G replaced by T.
Protein change: p.Val268Phe; replaces valine 268 with phenylalanine.
Molecular consequence: missense variant.
Genome position (GRCh38, 1-based): chr12:32,878,078, C>A on the plus strand (G>T on the coding strand, the complement: PKP2 is on the minus strand). VCF-style: chr12-32878078-C-A. GRCh37 (hg19) VCF-style: chr12-33031012-C-A.
Other names: c.802G>T, p.Val268Phe (NM_004572.4); short protein forms V268F.
Identifiers: ClinVar variation 919261 (VCV000919261.4), dbSNP rs746144782, ClinGen allele CA038860.
Genomic context (GRCh38, chr12:32,878,078, plus strand): 5'-ACCTGGAAGCCCTGTTCTGAGTGACGGGCTGCAGGGGCACCAGCGGCCTGACCTGCCCGA[C>A]AGTGAGCCCTGCCGTCAGGTAGTTCTCCTTCTCCAAGAGGTTGCCCATGCTGCGGCTGGT-3'
Protein context (NP_001005242.2, residues 258-278): KENYLTAGLT[Val268Phe]GQVRPLVPLQ

ClinVar aggregate classification (germline): Uncertain significance (1 of 4 stars; one submission).

Conditions:
Cardiomyopathy (CMYO). Also called: Cardiomyopathies. Identifiers: Orphanet 167848, MedGen C0878544, MONDO:0004994, HP:0001638. Inheritance: Various modes of inheritance.

Allele frequency attached by ClinVar (database versions not stated): gnomAD exomes below 0.00001; ExAC 0.00001.
gnomAD v4.1: 1 of 1,614,116 alleles (0.000062%); highest among the groups gnomAD compares: Non-Finnish European, 0.000085%; no homozygotes.

Submission:

Color Diagnostics, LLC DBA Color Health
Classification: Uncertain significance for Cardiomyopathy. Last evaluated: 2024-03-07. Review status: criteria provided, single submitter. Criteria: ACMG Guidelines, 2015. Collection method: clinical testing. Allele origin: germline.
Comment: This missense variant replaces valine with phenylalanine at codon 268 of the PKP2 protein. Computational prediction suggests that this variant may not impact protein structure and function (internally defined REVEL score threshold <= 0.5, PMID: 27666373). Splice site prediction tools suggest that this variant may not impact RNA splicing. To our knowledge, functional studies have not been reported for this variant. This variant has not been reported in individuals affected with cardiovascular disorders in the literature. This variant has been identified in 1/251094 chromosomes in the general population by the Genome Aggregation Database (gnomAD). The available evidence is insufficient to determine the role of this variant in disease conclusively. Therefore, this variant is classified as a Variant of Uncertain Significance.